The following is an entry in ClinVar:

ClinVar aggregate classification (germline): Uncertain significance (1 of 4 stars; one submission).

Submission:

Labcorp Genetics (formerly Invitae), Labcorp
Classification: Uncertain significance. Last evaluated: 2023-03-23. Review status: criteria provided, single submitter. Criteria: Invitae Variant Classification Sherloc (09022015). Collection method: clinical testing. Allele origin: unknown.
Comment: In summary, the available evidence is currently insufficient to determine the role of this variant in disease. Therefore, it has been classified as a Variant of Uncertain Significance. This variant has not been reported in the literature in individuals affected with DNA2-related conditions. This variant results in a copy number gain of the genomic region encompassing exon(s) 1-4 of the DNA2 gene. This region includes the initiator codon of the gene. This copy number gain extends beyond the assayed region for this gene and therefore may encompass additional genes. As the precise location of this event is unknown, it may be in tandem or it may be located elsewhere in the genome.

NC_000010.10:g.(?_70225404)_(70231621_?)dup

Gene: DNA2 (DNA replication helicase/nuclease 2; minus strand). Cytogenetic location: 10q21.3.
Variant type: Duplication.
Identifiers: ClinVar variation 3244958 (VCV003244958.1).